The following is an entry in ClinVar:

ClinVar aggregate classification (germline): Uncertain significance (1 of 4 stars; one submission).

Conditions:
Periodic fever-infantile enterocolitis-autoinflammatory syndrome. Also called: Autoinflammation with infantile enterocolitis. Identifiers: Orphanet 436166, MedGen C4015067, MONDO:0014472, OMIM 616050.
Familial cold autoinflammatory syndrome 4 (FCAS4). Identifiers: Orphanet 47045, Orphanet 576349, MedGen C4015276, MONDO:0014498, OMIM 616115.

gnomAD v4.1: 3 of 1,614,142 alleles (0.00019%); highest among the groups gnomAD compares: Admixed American, 0.005%; no homozygotes.

Submission:

Labcorp Genetics (formerly Invitae), Labcorp
Classification: Uncertain significance for Periodic fever-infantile enterocolitis-autoinflammatory syndrome; Familial cold autoinflammatory syndrome 4. Last evaluated: 2025-11-23. Review status: criteria provided, single submitter. Criteria: Invitae Variant Classification Sherloc (09022015). Collection method: clinical testing. Allele origin: germline.
Comment: This sequence change replaces lysine, which is basic and polar, with asparagine, which is neutral and polar, at codon 192 of the NLRC4 protein (p.Lys192Asn). This variant is present in population databases (rs757127936, gnomAD 0.009%). This variant has not been reported in the literature in individuals affected with NLRC4-related conditions. ClinVar contains an entry for this variant (Variation ID: 1956173). Invitae Evidence Modeling of protein sequence and biophysical properties (such as structural, functional, and spatial information, amino acid conservation, physicochemical variation, residue mobility, and thermodynamic stability) indicates that this missense variant is not expected to disrupt NLRC4 protein function with a negative predictive value of 80%. In summary, the available evidence is currently insufficient to determine the role of this variant in disease. Therefore, it has been classified as a Variant of Uncertain Significance.

NM_001199138.2(NLRC4):c.576G>C (p.Lys192Asn)

Gene: NLRC4 (NLR family CARD domain containing 4; minus strand). Cytogenetic location: 2p22.3.
Variant type: single nucleotide variant.
Coding change: c.576G>C on transcript NM_001199138.2 (MANE Select); coding-DNA position 576, G replaced by C.
Protein change: p.Lys192Asn; replaces lysine 192 with asparagine.
Molecular consequence: missense variant. On other transcripts: intron variant (1).
Genome position (GRCh38, 1-based): chr2:32,251,288, C>G on the plus strand (G>C on the coding strand, the complement: NLRC4 is on the minus strand). VCF-style: chr2-32251288-C-G. GRCh37 (hg19) VCF-style: chr2-32476357-C-G.
Other names: c.576G>C, p.Lys192Asn (NM_001199139.2, NM_021209.5); c.262+1131G>C (NM_001302504.1); short protein forms K192N.
Identifiers: ClinVar variation 1956173 (VCV001956173.5), dbSNP rs757127936, ClinGen allele CA1602116.